The following is an entry in ClinVar:

NM_033004.4(NLRP1):c.3521-91A>G

Gene: NLRP1 (NLR family pyrin domain containing 1; minus strand). Cytogenetic location: 17p13.2.
Variant type: single nucleotide variant.
Coding change: c.3521-91A>G on transcript NM_033004.4 (MANE Select); 91 bases into the intron before coding-DNA position 3521, A replaced by G.
Molecular consequence: intron variant.
Genome position (GRCh38, 1-based): chr17:5,521,877, T>C on the plus strand (A>G on the coding strand, the complement: NLRP1 is on the minus strand). VCF-style: chr17-5521877-T-C. GRCh37 (hg19) VCF-style: chr17-5425197-T-C.
Other names: c.3533-91A>G (NM_001033053.3); c.3431-91A>G (NM_033007.4, NM_033006.4); c.3521-91A>G (NM_014922.5).
Identifiers: ClinVar variation 103024 (VCV000103024.2), dbSNP rs199476214, ClinGen allele CA018501.

ClinVar aggregate classification (germline): not provided (0 of 4 stars; one submission).

Allele frequency attached by ClinVar (database versions not stated): gnomAD 0.00001; gnomAD exomes 0.00001; TOPMed 0.00001.
gnomAD v4.1: 18 of 1,292,796 alleles (0.0014%); highest among the groups gnomAD compares: Admixed American, 0.008%; no homozygotes.

Submission:

Human Evolutionary Genetics, Institut Pasteur
No classification provided. Review status: no classification provided. Collection method: not provided. Allele origin: germline.
ClinVar note: Converted during submission from untested to not provided.